The following is an entry in ClinVar:

ClinVar aggregate classification (germline): Benign. Review status: criteria provided, multiple submitters, no conflicts (2 of 4 stars). 3 submissions from 3 submitters: Benign (2). 1 of the submissions does not count toward it. Last evaluated 2026-02-01.

Conditions:
FBN3-related disorder. Also called: FBN3-related condition.

Allele frequency attached by ClinVar (database versions not stated): ESP Exome Variant Server 0.01728; 1000 Genomes Project 0.01917; gnomAD exomes 0.00416; ExAC 0.00482; 1000 Genomes Project 30x 0.02108; TOPMed 0.01637; gnomAD 0.01655.
gnomAD v4.1: 4,853 of 1,612,942 alleles (0.3%); highest among the groups gnomAD compares: African/African-American, 5.6%; 139 homozygotes.

Submissions (5):

Labcorp Genetics (formerly Invitae), Labcorp
Classification: Benign. Last evaluated: 2026-02-01. Review status: criteria provided, single submitter. Criteria: Invitae Variant Classification Sherloc (09022015). Collection method: clinical testing. Allele origin: germline.

Breakthrough Genomics
Classification: Benign. Review status: criteria provided, single submitter. Criteria: ACMG Guidelines, 2015. Collection method: not provided. Allele origin: germline. Inheritance: Unknown mechanism. Affected: yes.

PreventionGenetics, part of Exact Sciences
Classification: Benign for FBN3-related condition. Last evaluated: 2019-03-10. Review status: no assertion criteria provided. Collection method: clinical testing. Allele origin: germline. Not counted in ClinVar's aggregate classification.
Comment: This variant is classified as benign based on ACMG/AMP sequence variant interpretation guidelines (Richards et al. 2015 PMID: 25741868, with internal and published modifications).

Dr. Peter K. Rogan Lab, Western University
No classification provided (evidence only). Condition: Uterine corpus endometrial carcinoma. Review status: no classification provided. Collection method: in vitro. Allele origin: not applicable. Functional consequence: retained intron. Not counted in ClinVar's aggregate classification.

Dr. Peter K. Rogan Lab, Western University
No classification provided (evidence only). Condition: Ovarian serous cystadenocarcinoma. Review status: no classification provided. Collection method: in vitro. Allele origin: not applicable. Functional consequence: retained intron. Not counted in ClinVar's aggregate classification.

NM_032447.5(FBN3):c.2956+5G>A

Gene: FBN3 (fibrillin 3; minus strand). Cytogenetic location: 19p13.2.
Variant type: single nucleotide variant.
Coding change: c.2956+5G>A on transcript NM_032447.5 (MANE Select); 5 bases into the intron after coding-DNA position 2956, G replaced by A.
Molecular consequence: intron variant.
Genome position (GRCh38, 1-based): chr19:8,123,779, C>T on the plus strand (G>A on the coding strand, the complement: FBN3 is on the minus strand). VCF-style: chr19-8123779-C-T. GRCh37 (hg19) VCF-style: chr19-8188663-C-T.
Other names: c.2956+5G>A (NM_001321431.2, NM_001321431.1).
Identifiers: ClinVar variation 768960 (VCV000768960.14), dbSNP rs116450972, ClinGen allele CA9152660.